The following is an entry in ClinVar:

NM_001256317.3(TMPRSS3):c.1180G>A (p.Asp394Asn)

Gene: TMPRSS3 (transmembrane serine protease 3; minus strand). Cytogenetic location: 21q22.3.
Variant type: single nucleotide variant.
Coding change: c.1180G>A on transcript NM_001256317.3 (MANE Select); coding-DNA position 1180, G replaced by A.
Protein change: p.Asp394Asn; replaces aspartic acid 394 with asparagine.
Molecular consequence: missense variant.
Genome position (GRCh38, 1-based): chr21:42,376,552, C>T on the plus strand (G>A on the coding strand, the complement: TMPRSS3 is on the minus strand). VCF-style: chr21-42376552-C-T. GRCh37 (hg19) VCF-style: chr21-43796661-C-T.
Other names: c.1183G>A, p.Asp395Asn (NM_024022.4); c.802G>A, p.Asp268Asn (NM_032404.3); short protein forms D394N, D395N, D268N.
Identifiers: ClinVar variation 1934530 (VCV001934530.4), dbSNP rs111033537, ClinGen allele CA410369093.

ClinVar aggregate classification (germline): Likely pathogenic (1 of 4 stars; one submission).

gnomAD v4.1: 2 of 1,613,428 alleles (0.00012%); highest among the groups gnomAD compares: Non-Finnish European, 0.00017%; no homozygotes.

Submission:

Labcorp Genetics (formerly Invitae), Labcorp
Classification: Likely pathogenic. Last evaluated: 2025-01-15. Review status: criteria provided, single submitter. Criteria: Invitae Variant Classification Sherloc (09022015). Collection method: clinical testing. Allele origin: germline.
Comment: This sequence change replaces aspartic acid, which is acidic and polar, with asparagine, which is neutral and polar, at codon 395 of the TMPRSS3 protein (p.Asp395Asn). This variant is not present in population databases (gnomAD no frequency). This missense change has been observed in individual(s) with deafness (internal data). ClinVar contains an entry for this variant (Variation ID: 1934530). Invitae Evidence Modeling of protein sequence and biophysical properties (such as structural, functional, and spatial information, amino acid conservation, physicochemical variation, residue mobility, and thermodynamic stability) indicates that this missense variant is expected to disrupt TMPRSS3 protein function with a positive predictive value of 95%. This variant disrupts the p.Asp395 amino acid residue in TMPRSS3. Other variant(s) that disrupt this residue have been determined to be pathogenic (PMID: 34868270; internal data). This suggests that this residue is clinically significant, and that variants that disrupt this residue are likely to be disease-causing. In summary, the currently available evidence indicates that the variant is pathogenic, but additional data are needed to prove that conclusively. Therefore, this variant has been classified as Likely Pathogenic.

Literature cited by the submitters: PubMed 34868270.